The following is an entry in ClinVar:

ClinVar aggregate classification (germline): Conflicting classifications of pathogenicity. Review status: criteria provided, conflicting classifications (1 of 4 stars). 3 submissions from 3 submitters: Uncertain significance (1); Likely benign (1). 1 of the submissions does not count toward it. Last evaluated 2025-12-22.

Conditions:
Epidermolysis bullosa dystrophica. Also called: Dystrophic epidermolysis bullosa, Hallopeau-Siemens type (formerly); Dystrophic epidermolysis bullosa. Identifiers: Orphanet 303, MedGen C0079294, MONDO:0006543.
Recessive dystrophic epidermolysis bullosa (RDEB). Also called: Epidermolysis Bullosa Distrophica Autosomal Recessive (RDEB); epidermolysis bullosa dystrophica, autosomal recessive; DYSTROPHIC EPIDERMOLYSIS BULLOSA, AUTOSOMAL RECESSIVE; EPIDERMOLYSIS BULLOSA DYSTROPHICA, HALLOPEAU-SIEMENS TYPE; severe generalized recessive dystrophic epidermolysis bullosa; Recessive DEB (RDEB). Identifiers: Orphanet 79408, Orphanet 79409, MedGen C0079474, MONDO:0009179, OMIM 226600.

Allele frequency attached by ClinVar (database versions not stated): gnomAD exomes 0.00045; 1000 Genomes Project 0.00140; gnomAD 0.00012 and 0.00001; TOPMed 0.00001; ExAC 0.00048; 1000 Genomes Project 30x 0.00156.
gnomAD v4.1: 279 of 1,613,954 alleles (0.017%); highest among the groups gnomAD compares: South Asian, 0.28%; 6 homozygotes.

Submissions (3):

Labcorp Genetics (formerly Invitae), Labcorp
Classification: Likely benign. Last evaluated: 2025-12-22. Review status: criteria provided, single submitter. Criteria: Invitae Variant Classification Sherloc (09022015). Collection method: clinical testing. Allele origin: germline.

Neuberg Centre For Genomic Medicine, NCGM
Classification: Uncertain significance for Recessive dystrophic epidermolysis bullosa. Last evaluated: 2023-05-20. Review status: criteria provided, single submitter. Criteria: ACMG Guidelines, 2015. Collection method: clinical testing. Allele origin: germline. Inheritance: Autosomal recessive inheritance. Affected: yes.
Comment: The missense variant c.6649C>T(p.Arg2217Trp) in COL7A1 gene has not been reported previously as a pathogenic variant nor as a benign variant, to our knowledge. The observed variant has allele frequency of 0.04% in gnomAD exomes database. This variant has been reported to the ClinVar database as Likely benign / Uncertain Significance (VUS). Multiple lines of computational evidence (Polyphen - possibly damaging , SIFT - damaging and MutationTaster - disease causing) predict a damaging effect on protein structure and function for this variant. The reference amino acid change p.Arg2217Trp in COL7A1 is predicted as conserved by GERP++ and PhyloP across 100 vertebrates. The amino acid Arg at position 2217 is changed to a Trp changing protein sequence and it might alter its composition and physico-chemical properties. For these reasons, this variant has been classified as Uncertain Significance (VUS).

Natera, Inc.
Classification: Uncertain significance for Dystrophic epidermolysis bullosa. Last evaluated: 2020-01-24. Review status: no assertion criteria provided. Collection method: clinical testing. Allele origin: germline. Not counted in ClinVar's aggregate classification.

NM_000094.4(COL7A1):c.6649C>T (p.Arg2217Trp)

Gene: COL7A1 (collagen type VII alpha 1 chain; minus strand). Cytogenetic location: 3p21.31.
Variant type: single nucleotide variant.
Coding change: c.6649C>T on transcript NM_000094.4 (MANE Select); coding-DNA position 6649, C replaced by T.
Protein change: p.Arg2217Trp; replaces arginine 2217 with tryptophan.
Molecular consequence: missense variant.
Genome position (GRCh38, 1-based): chr3:48,573,318, G>A on the plus strand (C>T on the coding strand, the complement: COL7A1 is on the minus strand). VCF-style: chr3-48573318-G-A. GRCh37 (hg19) VCF-style: chr3-48610751-G-A.
Other names: short protein forms R2217W.
Identifiers: ClinVar variation 751277 (VCV000751277.12), dbSNP rs546653276, ClinGen allele CA2378901.
Genomic context (GRCh38, chr3:48,573,318, plus strand): 5'-GGCAGTGCCAACCCCACCCATCTCCCTATGACCCTAACCTGTGAGCTAGGCCACTCACCC[G>A]TCCTGGAGGTCCTGTCTCTCCAGGCTCCCCCTGCAAACAACCCAGAGACTGCATGAGCAG-3'
Protein context (NP_000085.1, residues 2207-2227): GEPGETGPPG[Arg2217Trp]GLTGPTGAVG